The following is an entry in ClinVar:

NM_001128178.3(NPHP1):c.775A>G (p.Ile259Val)

Gene: NPHP1 (nephrocystin 1; minus strand). Cytogenetic location: 2q13.
Variant type: single nucleotide variant.
Coding change: c.775A>G on transcript NM_001128178.3 (MANE Select); coding-DNA position 775, A replaced by G.
Protein change: p.Ile259Val; replaces isoleucine 259 with valine.
Molecular consequence: missense variant.
Genome position (GRCh38, 1-based): chr2:110,163,132, T>C on the plus strand (A>G on the coding strand, the complement: NPHP1 is on the minus strand). VCF-style: chr2-110163132-T-C. GRCh37 (hg19) VCF-style: chr2-110920709-T-C.
Other names: c.943A>G (NM_000272.4); c.943A>G, p.Ile315Val (NM_000272.5); c.586A>G, p.Ile196Val (NM_001128179.3); c.772A>G, p.Ile258Val (NM_001374256.1); c.775A>G, p.Ile259Val (NM_001374257.1); c.940A>G, p.Ile314Val (NM_207181.4); short protein forms I196V, I259V, I314V, I315V, I258V.
Identifiers: ClinVar variation 2130173 (VCV002130173.4), dbSNP rs1682469936, ClinGen allele CA348090853.

ClinVar aggregate classification (germline): Uncertain significance. Review status: criteria provided, multiple submitters, no conflicts (2 of 4 stars). 2 submissions from 2 submitters: Uncertain significance (2). Last evaluated 2024-06-17.

Conditions:
Nephronophthisis. Also called: Juvenile Nephronophthisis. Identifiers: Orphanet 655, MedGen C0687120, MONDO:0019005, HP:0000090.
Joubert syndrome with renal defect. Also called: JOUBERT SYNDROME 4. Identifiers: Orphanet 220497, MedGen C1846790, MONDO:0012308, OMIM 609583.
Nephronophthisis 1 (NPHP1). Also called: Nephronophthisis familial juvenile. Identifiers: Orphanet 655, Orphanet 93592, MedGen C1855681, MONDO:0009728, OMIM 256100.
Senior-Loken syndrome 1 (SLSN1). Also called: JUVENILE NEPHRONOPHTHISIS WITH LEBER AMAUROSIS. Identifiers: Orphanet 3156, MedGen C4551559, MONDO:0009962, OMIM 266900.

Allele frequency attached by ClinVar (database versions not stated): gnomAD exomes below 0.00001; gnomAD 0.00001.
gnomAD v4.1: 3 of 1,605,560 alleles (0.00019%); highest among the groups gnomAD compares: African/African-American, 0.0013%; no homozygotes.

Submissions (2):

Fulgent Genetics
Classification: Uncertain significance for Nephronophthisis 1; Senior-Loken syndrome 1; Joubert syndrome with renal defect. Last evaluated: 2024-06-17. Review status: criteria provided, single submitter. Criteria: ACMG Guidelines, 2015. Collection method: clinical testing. Allele origin: germline.

Labcorp Genetics (formerly Invitae), Labcorp
Classification: Uncertain significance for Nephronophthisis. Last evaluated: 2023-11-27. Review status: criteria provided, single submitter. Criteria: Invitae Variant Classification Sherloc (09022015). Collection method: clinical testing. Allele origin: germline.
Comment: This sequence change replaces isoleucine, which is neutral and non-polar, with valine, which is neutral and non-polar, at codon 315 of the NPHP1 protein (p.Ile315Val). This variant is not present in population databases (gnomAD no frequency). This variant has not been reported in the literature in individuals affected with NPHP1-related conditions. ClinVar contains an entry for this variant (Variation ID: 2130173). Advanced modeling of protein sequence and biophysical properties (such as structural, functional, and spatial information, amino acid conservation, physicochemical variation, residue mobility, and thermodynamic stability) performed at Invitae indicates that this missense variant is not expected to disrupt NPHP1 protein function with a negative predictive value of 80%. In summary, the available evidence is currently insufficient to determine the role of this variant in disease. Therefore, it has been classified as a Variant of Uncertain Significance.